The following is an entry in ClinVar:

ClinVar aggregate classification (germline): Uncertain significance. Review status: criteria provided, multiple submitters, no conflicts (2 of 4 stars). 2 submissions from 2 submitters: Uncertain significance (2). Last evaluated 2025-09-10.

Submissions (2):

Ambry Genetics
Classification: Uncertain significance. Last evaluated: 2025-09-10. Review status: criteria provided, single submitter. Criteria: Ambry Variant Classification Scheme 2023. Collection method: clinical testing. Allele origin: germline.

Labcorp Genetics (formerly Invitae), Labcorp
Classification: Uncertain significance. Last evaluated: 2025-02-24. Review status: criteria provided, single submitter. Criteria: Invitae Variant Classification Sherloc (09022015). Collection method: clinical testing. Allele origin: germline.
Comment: This sequence change replaces methionine, which is neutral and non-polar, with leucine, which is neutral and non-polar, at codon 123 of the BICC1 protein (p.Met123Leu). This variant is present in population databases (rs749748141, gnomAD 0.003%). This variant has not been reported in the literature in individuals affected with BICC1-related conditions. An algorithm developed to predict the effect of missense changes on protein structure and function (PolyPhen-2) suggests that this variant is likely to be tolerated. In summary, the available evidence is currently insufficient to determine the role of this variant in disease. Therefore, it has been classified as a Variant of Uncertain Significance.

NM_001080512.3(BICC1):c.367A>C (p.Met123Leu)

Gene: BICC1 (BicC family RNA binding protein 1; plus strand). Cytogenetic location: 10q21.1.
Variant type: single nucleotide variant.
Coding change: c.367A>C on transcript NM_001080512.3 (MANE Select); coding-DNA position 367, A replaced by C.
Protein change: p.Met123Leu; replaces methionine 123 with leucine.
Molecular consequence: missense variant.
Genome position (GRCh38, 1-based): chr10:58,785,060, A>C. VCF-style: chr10-58785060-A-C. GRCh37 (hg19) VCF-style: chr10-60544820-A-C.
Other names: short protein forms M123L.
Identifiers: ClinVar variation 4207668 (VCV004207668.2).